The following is an entry in ClinVar:

NM_005045.4(RELN):c.8930T>C (p.Leu2977Ser)

Genes: RELN (reelin; minus strand), SLC26A5-AS1 (SLC26A5 antisense RNA 1; plus strand). Cytogenetic location: 7q22.1.
Variant type: single nucleotide variant.
Coding change: c.8930T>C on transcript NM_005045.4 (MANE Select); coding-DNA position 8930, T replaced by C.
Protein change: p.Leu2977Ser; replaces leucine 2977 with serine.
Molecular consequence: missense variant.
Genome position (GRCh38, 1-based): chr7:103,497,840, A>G on the plus strand (T>C on the coding strand, the complement: RELN is on the minus strand). VCF-style: chr7-103497840-A-G. GRCh37 (hg19) VCF-style: chr7-103138287-A-G.
Other names: c.8930T>C, p.Leu2977Ser (NM_173054.3); short protein forms L2977S.
Identifiers: ClinVar variation 2175812 (VCV002175812.4), dbSNP rs761439134, ClinGen allele CA4420340.

ClinVar aggregate classification (germline): Uncertain significance (1 of 4 stars; one submission).

Conditions:
Familial temporal lobe epilepsy 7. Identifiers: Orphanet 101046, MedGen C4225327, MONDO:0014639, OMIM 616436.
Norman-Roberts syndrome (LIS2). Also called: Lissencephaly 2 (Norman-Roberts type). Identifiers: Orphanet 89844, MedGen C0796089, MONDO:0009760, OMIM 257320.

Allele frequency attached by ClinVar (database versions not stated): ExAC 0.00001; gnomAD 0.00001; gnomAD exomes 0.00001; TOPMed 0.00001.
gnomAD v4.1: 6 of 1,614,054 alleles (0.00037%); highest among the groups gnomAD compares: South Asian, 0.0011%; no homozygotes.

Submission:

Labcorp Genetics (formerly Invitae), Labcorp
Classification: Uncertain significance for Familial temporal lobe epilepsy 7; Norman-Roberts syndrome. Last evaluated: 2023-11-27. Review status: criteria provided, single submitter. Criteria: Invitae Variant Classification Sherloc (09022015). Collection method: clinical testing. Allele origin: germline.
Comment: This sequence change replaces leucine, which is neutral and non-polar, with serine, which is neutral and polar, at codon 2977 of the RELN protein (p.Leu2977Ser). This variant is present in population databases (rs761439134, gnomAD 0.003%). This variant has not been reported in the literature in individuals affected with RELN-related conditions. ClinVar contains an entry for this variant (Variation ID: 2175812). Advanced modeling of protein sequence and biophysical properties (such as structural, functional, and spatial information, amino acid conservation, physicochemical variation, residue mobility, and thermodynamic stability) performed at Invitae indicates that this missense variant is not expected to disrupt RELN protein function with a negative predictive value of 80%. In summary, the available evidence is currently insufficient to determine the role of this variant in disease. Therefore, it has been classified as a Variant of Uncertain Significance.